The following is an entry in ClinVar:

ClinVar aggregate classification (germline): Pathogenic (1 of 4 stars; one submission).

Conditions:
Hyperammonemia, type III (NAGSD). Also called: Hyperammonemia due to N-acetylglutamate synthase deficiency. Identifiers: Orphanet 927, MedGen C0268543, MONDO:0009377, OMIM 237310.

Submission:

Labcorp Genetics (formerly Invitae), Labcorp
Classification: Pathogenic for Hyperammonemia, type III. Last evaluated: 2019-02-08. Review status: criteria provided, single submitter. Criteria: Invitae Variant Classification Sherloc (09022015). Collection method: clinical testing. Allele origin: germline.
Comment: This variant has not been reported in the literature in individuals with NAGS-related conditions. For these reasons, this variant has been classified as Pathogenic. Loss-of-function variants in NAGS are known to be pathogenic (PMID: 12594532). This variant is not present in population databases (ExAC no frequency). This sequence change creates a premature translational stop signal (p.Ala12Glnfs*4) in the NAGS gene. It is expected to result in an absent or disrupted protein product.

Literature cited by the submitters: PubMed 12594532.

NM_153006.3(NAGS):c.34del (p.Ala12fs)

Gene: NAGS (N-acetylglutamate synthase; plus strand). Cytogenetic location: 17q21.31.
Variant type: Deletion.
Coding change: c.34del on transcript NM_153006.3 (MANE Select); coding-DNA position 34, one base deleted (G; older notation c.34delG).
Protein change: p.Ala12fs; shifts the reading frame from alanine 12.
Molecular consequence: frameshift variant.
Genome position (GRCh38, 1-based): chr17:44,004,697, G deleted; the last of 3 consecutive G bases (chr17:44,004,695-44,004,697); deleting any one gives the same sequence. VCF-style (leftmost placement, unchanged base first): chr17-44004694-CG-C. GRCh37 (hg19) VCF-style: chr17-42082062-CG-C.
Other names: short protein forms A12fs.
Identifiers: ClinVar variation 851292 (VCV000851292.7), dbSNP rs2049059647, ClinGen allele CA916083541.